The following is an entry in ClinVar:

NM_013328.4(PYCR2):c.374C>A (p.Pro125His)

Gene: PYCR2 (pyrroline-5-carboxylate reductase 2; minus strand). Cytogenetic location: 1q42.12.
Variant type: single nucleotide variant.
Coding change: c.374C>A on transcript NM_013328.4 (MANE Select); coding-DNA position 374, C replaced by A.
Protein change: p.Pro125His; replaces proline 125 with histidine.
Molecular consequence: missense variant. On other transcripts: intron variant (1).
Genome position (GRCh38, 1-based): chr1:225,922,024, G>T on the plus strand (C>A on the coding strand, the complement: PYCR2 is on the minus strand). VCF-style: chr1-225922024-G-T. GRCh37 (hg19) VCF-style: chr1-226109724-G-T.
Other names: c.318+180C>A (NM_001271681.2); short protein forms P125H.
Identifiers: ClinVar variation 3253569 (VCV003253569.2), dbSNP rs2465058108.

ClinVar aggregate classification (germline): Likely pathogenic (1 of 4 stars; one submission).

Submission:

GeneDx
Classification: Likely pathogenic. Last evaluated: 2025-07-21. Review status: criteria provided, single submitter. Criteria: GeneDx Variant Classification Process June 2021. Collection method: clinical testing. Allele origin: germline.
Comment: Not observed at significant frequency in large population cohorts (gnomAD); In silico analysis supports that this missense variant has a deleterious effect on protein structure/function; Has not been previously published as pathogenic or benign to our knowledge